The following is an entry in ClinVar:

NM_000535.7(PMS2):c.1275T>C (p.Ser425=)

Gene: PMS2 (PMS1 homolog 2, mismatch repair system component; minus strand). Cytogenetic location: 7p22.1.
Variant type: single nucleotide variant.
Coding change: c.1275T>C on transcript NM_000535.7 (MANE Select); coding-DNA position 1275, T replaced by C.
Protein change: p.Ser425=; no amino-acid change (serine 425 retained).
Molecular consequence: synonymous variant. On other transcripts: non-coding transcript variant (1), intron variant (1).
Genome position (GRCh38, 1-based): chr7:5,987,490, A>G on the plus strand (T>C on the coding strand, the complement: PMS2 is on the minus strand). VCF-style: chr7-5987490-A-G. GRCh37 (hg19) VCF-style: chr7-6027121-A-G.
Other names: c.870T>C, p.Ser290= (NM_001322003.2, NM_001322004.2, NM_001322005.2 and 16 more transcripts); c.1119T>C, p.Ser373= (NM_001322006.2, NM_001406870.1); c.957T>C, p.Ser319= (NM_001322007.2, NM_001322008.2, NM_001406876.1 and 2 more transcripts); c.714T>C, p.Ser238= (NM_001322010.2, NM_001406906.1, NM_001406907.1); c.342T>C, p.Ser114= (NM_001322011.2, NM_001322012.2); c.702T>C, p.Ser234= (NM_001322013.2, NM_001406909.1); c.1275T>C, p.Ser425= (NM_001322014.2, NM_001406871.1, NM_001406872.1); c.966T>C, p.Ser322= (NM_001322015.2, NM_001406875.1, NM_001406877.1 and 5 more transcripts); and 13 more.
Identifiers: ClinVar variation 3904770 (VCV003904770.1).

ClinVar aggregate classification (germline): Benign (1 of 4 stars; one submission).

Conditions:
Lynch syndrome 4 (LYNCH4). Also called: Colorectal cancer, hereditary nonpolyposis, type 4; Hereditary non-polyposis colorectal cancer, type 4. Identifiers: Orphanet 144, MedGen C1838333, MONDO:0013699, OMIM 614337. Disease mechanism: loss of function.

Submission:

Myriad Genetics, Inc.
Classification: Benign for Lynch syndrome 4. Last evaluated: 2025-01-30. Review status: criteria provided, single submitter. Criteria: Myriad Autosomal Dominant, Autosomal Recessive and X-Linked Classification Criteria (2023). Collection method: clinical testing. Allele origin: unknown.
Comment: This variant is considered benign. This variant is a silent/synonymous amino acid change and it is not expected to impact splicing.